The following is an entry in ClinVar:

ClinVar aggregate classification (germline): Conflicting classifications of pathogenicity. Review status: criteria provided, conflicting classifications (1 of 4 stars). 4 submissions from 4 submitters: Pathogenic (2); Uncertain significance (1). 1 of the submissions does not count toward it. Last evaluated 2026-01-20.

Conditions:
Tuberous sclerosis syndrome (TSC). Also called: Tuberous Sclerosis Complex; Tuberous sclerosis. Identifiers: Orphanet 805, MedGen C0041341, MONDO:0001734.
Tuberous sclerosis 2 (TSC2). Identifiers: Orphanet 805, MedGen C1860707, MONDO:0013199, OMIM 613254.

Submissions (4):

GeneDx
Classification: Pathogenic. Last evaluated: 2026-01-20. Review status: criteria provided, single submitter. Criteria: GeneDx Variant Classification Process June 2021. Collection method: clinical testing. Allele origin: germline. Affected: yes.
Comment: Functional studies demonstrate an impaired TSC1-TSC2 complex formation and impaired inhibition of mTOR activity (PMID: 21309039); In silico analysis supports that this missense variant has a deleterious effect on protein structure/function; Not observed at significant frequency in large population cohorts (gnomAD); This variant is associated with the following publications: (PMID: 18466115, 27493206, 32211034, 21309039)

MGZ Medical Genetics Center
Classification: Pathogenic for Tuberous sclerosis 2. Last evaluated: 2021-08-10. Review status: criteria provided, single submitter. Criteria: ACMG Guidelines, 2015. Collection method: clinical testing. Allele origin: germline. Affected: yes. Observed: 1 variant allele.
Comment: ACMG criteria applied: PS2, PS4, PM2_SUP, PP3

Labcorp Genetics (formerly Invitae), Labcorp
Classification: Uncertain significance for Tuberous sclerosis 2. Last evaluated: 2019-03-17. Review status: criteria provided, single submitter. Criteria: Invitae Variant Classification Sherloc (09022015). Collection method: clinical testing. Allele origin: germline.
Comment: This sequence change replaces leucine with proline at codon 219 of the TSC2 protein (p.Leu219Pro). The leucine residue is highly conserved and there is a moderate physicochemical difference between leucine and proline. This variant is not present in population databases (ExAC no frequency). This variant has been reported in individuals in the Leiden Open-source Variation Database (PMID: 21520333). ClinVar contains an entry for this variant (Variation ID: 65337). This variant has been reported to affect TSC2 protein function (PMID: 21309039). In summary, the available evidence is currently insufficient to determine the role of this variant in disease. Therefore, it has been classified as a Variant of Uncertain Significance.

Tuberous sclerosis database (TSC2)
No classification provided. Condition: TSC. Review status: no classification provided. Criteria: Tuberous Sclerosis Database Assertion Criteria 2015. Collection method: curation. Allele origin: germline. Affected: yes. Not counted in ClinVar's aggregate classification.

Literature cited by the submitters: PubMed 21309039 (cited by Labcorp Genetics (formerly Invitae), Labcorp); PubMed 21520333 (cited by Labcorp Genetics (formerly Invitae), Labcorp).

NM_000548.5(TSC2):c.656T>C (p.Leu219Pro)

Gene: TSC2 (TSC complex subunit 2; plus strand). Cytogenetic location: 16p13.3.
Variant type: single nucleotide variant.
Coding change: c.656T>C on transcript NM_000548.5 (MANE Select); coding-DNA position 656, T replaced by C.
Protein change: p.Leu219Pro; replaces leucine 219 with proline.
Molecular consequence: missense variant.
Genome position (GRCh38, 1-based): chr16:2,056,651, T>C. VCF-style: chr16-2056651-T-C. GRCh37 (hg19) VCF-style: chr16-2106652-T-C.
Other names: c.656T>C, p.Leu219Pro (NM_001077183.3, NM_001114382.3, NM_001363528.2 and 3 more transcripts); c.545T>C, p.Leu182Pro (NM_001318827.2); c.509T>C, p.Leu170Pro (NM_001318829.2); c.56T>C, p.Leu19Pro (NM_001318831.2); c.689T>C, p.Leu230Pro (NM_001318832.2); short protein forms L219P, L182P, L170P, L230P, L19P.
Identifiers: ClinVar variation 65337 (VCV000065337.8), dbSNP rs397515249, ClinGen allele CA022749.
Genomic context (GRCh38, chr16:2,056,651, plus strand): 5'-CTGTGGGGAGGAGCTGGGGTAGGACGGGCGTGAGCCGTCTCCCTCTCCACCAGGTCTCCC[T>C]GCAGGTGCTGGACGCCGTGGTCTGCTACAACTGCCTGCCGGCTGAGAGCCTCCCGCTGTT-3'
Protein context (NP_000539.2, residues 209-229): TASSVDIEVS[Leu219Pro]QVLDAVVCYN